The following is an entry in ClinVar:

ClinVar aggregate classification (germline): Pathogenic (1 of 4 stars; one submission).

Submission:

CeGaT Center for Human Genetics Tuebingen
Classification: Pathogenic. Last evaluated: 2023-12-01. Review status: criteria provided, single submitter. Criteria: CeGaT Center For Human Genetics Tuebingen Variant Classification Criteria Version 2. Collection method: clinical testing. Allele origin: germline. Affected: yes. Observed: 2 variant alleles.
Comment: ATM: PVS1, PM2, PM3

NM_000051.4(ATM):c.5178del (p.Cys1726fs)

Gene: ATM (ATM serine/threonine kinase; plus strand). Cytogenetic location: 11q22.3.
Variant type: Deletion.
Coding change: c.5178del on transcript NM_000051.4 (MANE Select); coding-DNA position 5178, one base deleted (T; older notation c.5178delT).
Protein change: p.Cys1726fs; shifts the reading frame from cysteine 1726.
Molecular consequence: frameshift variant.
Genome position (GRCh38, 1-based): chr11:108,301,648, T deleted. VCF-style (leftmost placement, unchanged base first): chr11-108301647-GT-G. GRCh37 (hg19) VCF-style: chr11-108172374-GT-G.
Other names: c.5178del, p.Cys1726fs (NM_001351834.2); short protein forms C1726fs.
Identifiers: ClinVar variation 1711326 (VCV001711326.30), dbSNP rs2546972613, ClinGen allele CA2580083041.